The following is an entry in ClinVar:

ClinVar aggregate classification (germline): Conflicting classifications of pathogenicity. Review status: criteria provided, conflicting classifications (1 of 4 stars). 2 submissions from 2 submitters: Uncertain significance (1); Likely benign (1). Last evaluated 2025-07-22.

Conditions:
Hereditary cancer-predisposing syndrome. Also called: Neoplastic Syndromes, Hereditary; Tumor predisposition; Hereditary Cancer Syndrome; Hereditary neoplastic syndrome. Identifiers: Orphanet 140162, MedGen C0027672, MeSH D009386, MONDO:0015356.
Gastrointestinal stromal tumor. Also called: Gastrointestinal stromal tumor, somatic; Gastrointestinal stroma tumor. Identifiers: Orphanet 44890, MedGen C0238198, MeSH D046152, MONDO:0011719, OMIM 606764, HP:0100723.

Submissions (2):

Ambry Genetics
Classification: Likely benign for Hereditary cancer-predisposing syndrome. Last evaluated: 2025-07-22. Review status: criteria provided, single submitter. Criteria: Ambry Variant Classification Scheme 2023. Collection method: clinical testing. Allele origin: germline.

Labcorp Genetics (formerly Invitae), Labcorp
Classification: Uncertain significance for Gastrointestinal stromal tumor. Last evaluated: 2023-01-06. Review status: criteria provided, single submitter. Criteria: Invitae Variant Classification Sherloc (09022015). Collection method: clinical testing. Allele origin: germline.
Comment: Advanced modeling of protein sequence and biophysical properties (such as structural, functional, and spatial information, amino acid conservation, physicochemical variation, residue mobility, and thermodynamic stability) performed at Invitae indicates that this missense variant is not expected to disrupt PDGFRA protein function. In summary, the available evidence is currently insufficient to determine the role of this variant in disease. Therefore, it has been classified as a Variant of Uncertain Significance. ClinVar contains an entry for this variant (Variation ID: 649246). This variant has not been reported in the literature in individuals affected with PDGFRA-related conditions. This variant is not present in population databases (gnomAD no frequency). This sequence change replaces isoleucine, which is neutral and non-polar, with valine, which is neutral and non-polar, at codon 117 of the PDGFRA protein (p.Ile117Val).

NM_006206.6(PDGFRA):c.349A>G (p.Ile117Val)

Gene: PDGFRA (platelet derived growth factor receptor alpha; plus strand). Cytogenetic location: 4q12.
Variant type: single nucleotide variant.
Coding change: c.349A>G on transcript NM_006206.6 (MANE Select); coding-DNA position 349, A replaced by G.
Protein change: p.Ile117Val; replaces isoleucine 117 with valine.
Molecular consequence: missense variant.
Genome position (GRCh38, 1-based): chr4:54,261,394, A>G. VCF-style: chr4-54261394-A-G. GRCh37 (hg19) VCF-style: chr4-55127561-A-G.
Other names: c.349A>G, p.Ile117Val (NM_001347827.2, NM_001347829.2); c.424A>G, p.Ile142Val (NM_001347828.2); c.388A>G, p.Ile130Val (NM_001347830.2); short protein forms I117V, I142V, I130V.
Identifiers: ClinVar variation 649246 (VCV000649246.10), dbSNP rs1577705861, ClinGen allele CA356889060.